The following is an entry in ClinVar:

ClinVar aggregate classification (germline): Conflicting classifications of pathogenicity. Review status: criteria provided, conflicting classifications (1 of 4 stars). 13 submissions from 13 submitters: Uncertain significance (7); Likely benign (4). 2 of the submissions do not count toward it. Last evaluated 2026-07-01.

Conditions:
Cardiovascular phenotype. Identifiers: MedGen CN230736.
GAA-related disorder. Also called: GAA-related condition.
Glycogen storage disease, type II (IOPD). Also called: GLYCOGENOSIS, GENERALIZED, CARDIAC FORM; GSD II; Glycogen storage disease type 2; Acid maltase deficiency disease; Aglucosidase alfa; Deficiency of alpha-glucosidase. Identifiers: Orphanet 365, MedGen C0017921, MONDO:0009290, OMIM 232300.

Allele frequency attached by ClinVar (database versions not stated): ESP Exome Variant Server 0.00008; gnomAD 0.00016 and 0.00017; gnomAD exomes 0.00018 and 0.00035; TOPMed 0.00019; ExAC 0.00027.

Submissions (13):

Genomenon, Inc
Classification: Uncertain significance for Glycogen storage disease, type II. Last evaluated: 2026-07-01. Review status: criteria provided, single submitter. Criteria: Genomenon Sequence Variant Interpretation Standards - Updated. Collection method: curation. Allele origin: germline. Affected: yes.
Comment: GAA p.Arg854Gln (c.2561G>A) is a missense variant that changes the amino acid at codon 854 from Arginine to Glutamine. This variant has been observed in at least one proband with a GAA-related disorder in the compound heterozygous and/or homozygous state (PMID:32049654). It is absent or not present at a significant frequency in gnomAD. In silico models predict that this variant is not damaging. In conclusion, we classify GAA p.Arg854Gln (c.2561G>A) as a variant of uncertain significance.

Labcorp Genetics (formerly Invitae), Labcorp
Classification: Likely benign for Glycogen storage disease, type II. Last evaluated: 2026-02-03. Review status: criteria provided, single submitter. Criteria: Invitae Variant Classification Sherloc (09022015). Collection method: clinical testing. Allele origin: germline.

GeneDx
Classification: Uncertain significance. Last evaluated: 2026-01-05. Review status: criteria provided, single submitter. Criteria: GeneDx Variant Classification Process June 2021. Collection method: clinical testing. Allele origin: germline. Affected: yes.
Comment: In silico analysis suggests that this missense variant does not alter protein structure/function; This variant is associated with the following publications: (PMID: 32049654, 22253258, 19343043, 34576242)

Ambry Genetics
Classification: Uncertain significance for Cardiovascular phenotype. Last evaluated: 2025-08-14. Review status: criteria provided, single submitter. Criteria: Ambry Variant Classification Scheme 2023. Collection method: clinical testing. Allele origin: germline.
Comment: The p.R854Q variant (also known as c.2561G>A), located in coding exon 17 of the GAA gene, results from a G to A substitution at nucleotide position 2561. The arginine at codon 854 is replaced by glutamine, an amino acid with highly similar properties. This variant has been identified in the homozygous state in individual(s) with features consistent with infantile onset Pompe disease (Ullah A et al. J Pediatr Endocrinol Metab, 2020 Apr;33:553-556). This amino acid position is poorly conserved in available vertebrate species, and glutamine is the reference amino acid in other vertebrate species. In addition, this alteration is predicted to be tolerated by in silico analysis. Based on the available evidence, the clinical significance of this variant remains unclear.

Mayo Clinic Laboratories, Mayo Clinic
Classification: Likely benign. Last evaluated: 2025-04-28. Review status: criteria provided, single submitter. Criteria: ACMG Guidelines, 2015. Collection method: clinical testing. Allele origin: germline. Observed: 1 variant allele.
Comment: BS1, BP4

Blueprint Genetics
Classification: Likely benign. Last evaluated: 2024-11-26. Review status: criteria provided, single submitter. Criteria: ACMG Guidelines, 2015. Collection method: clinical testing. Allele origin: germline.

Revvity Omics, Revvity
Classification: Uncertain significance. Last evaluated: 2022-07-27. Review status: criteria provided, single submitter. Criteria: ACMG Guidelines, 2015. Collection method: clinical testing. Allele origin: germline.

Genome-Nilou Lab
Classification: Uncertain significance for Glycogen storage disease, type II. Last evaluated: 2021-07-22. Review status: criteria provided, single submitter. Criteria: ACMG Guidelines, 2015. Collection method: clinical testing. Allele origin: germline. Affected: no.

Eurofins Ntd Llc (ga)
Classification: Likely benign. Last evaluated: 2018-03-23. Review status: criteria provided, single submitter. Criteria: EGL ClinVar v180209 classification definitions. Collection method: clinical testing. Allele origin: germline. Observed: 3 variant alleles, 3 heterozygotes.

Illumina Laboratory Services, Illumina
Classification: Uncertain significance for Glycogen storage disease, type II. Last evaluated: 2017-04-27. Review status: criteria provided, single submitter. Criteria: ICSL Variant Classification Criteria 13 December 2019. Collection method: clinical testing. Allele origin: germline.

Women's Health and Genetics/Laboratory Corporation of America, LabCorp
Classification: Uncertain significance. Last evaluated: 2016-01-14. Review status: criteria provided, single submitter. Criteria: LabCorp Variant Classification Summary - May 2015. Collection method: clinical testing. Allele origin: germline.
Comment: Variant summary: GAA c.2561G>A affects a non-conserved nucleotide, resulting in amino acid change from Arg to Gln. 4/4 in-silico tools predict benign outcome for this variant (SNPs&GO not captured due to low reliability index). This variant is found in 32/116434 control chromosomes at a frequency of 0.0002748, which does not significantly exceed maximal expected frequency of a pathogenic GAA allele (0.0042205). The variant of interest has not, to our knowledge, been reported in affected individuals via publications and/or reputable databases/clinical laboratories; nor evaluated for functional impact by in vivo/vitro studies. Because of the absence of clinical information and the lack of functional studies, the variant was classified as a variant of uncertain significance (VUS) until additional information becomes available.

Natera, Inc.
Classification: Likely benign for Glycogen storage disease type II. Last evaluated: 2020-06-18. Review status: no assertion criteria provided. Collection method: clinical testing. Allele origin: germline. Not counted in ClinVar's aggregate classification.

PreventionGenetics, part of Exact Sciences
Classification: Likely benign for GAA-related condition. Last evaluated: 2020-04-20. Review status: no assertion criteria provided. Collection method: clinical testing. Allele origin: germline. Not counted in ClinVar's aggregate classification.
Comment: This variant is classified as likely benign based on ACMG/AMP sequence variant interpretation guidelines (Richards et al. 2015 PMID: 25741868, with internal and published modifications).

Literature cited by the submitters: PubMed 32049654 (cited by 3 submitters); PubMed 34576242 (cited by Mayo Clinic Laboratories, Mayo Clinic); PubMed 39677172 (cited by Mayo Clinic Laboratories, Mayo Clinic).

NM_000152.5(GAA):c.2561G>A (p.Arg854Gln)

Gene: GAA (alpha glucosidase; plus strand). Cytogenetic location: 17q25.3.
Variant type: single nucleotide variant.
Coding change: c.2561G>A on transcript NM_000152.5 (MANE Select); coding-DNA position 2561, G replaced by A.
Protein change: p.Arg854Gln; replaces arginine 854 with glutamine.
Molecular consequence: missense variant.
Genome position (GRCh38, 1-based): chr17:80,118,272, G>A. VCF-style: chr17-80118272-G-A. GRCh37 (hg19) VCF-style: chr17-78092071-G-A.
Other names: p.Arg854Gln; c.2561G>A (LRG_673t1, NM_000152.4); c.2561G>A, p.Arg854Gln (NM_001079803.3, NM_001079804.3); short protein forms R854Q.
Identifiers: ClinVar variation 286210 (VCV000286210.35), dbSNP rs149968110, ClinGen allele CA8815788.